The following is an entry in ClinVar:

ClinVar aggregate classification (germline): Pathogenic (1 of 4 stars; one submission).

Conditions:
Cataract 18 (CATC2). Also called: CATARACT 18, AUTOSOMAL RECESSIVE. Identifiers: Orphanet 91492, Orphanet 98991, Orphanet 98992, Orphanet 98995, MedGen C1864908, MONDO:0012395, OMIM 610019.

Submission:

3billion
Classification: Pathogenic for Cataract 18. Last evaluated: 2025-02-18. Review status: criteria provided, single submitter. Criteria: ACMG Guidelines, 2015. Collection method: clinical testing. Allele origin: germline. Affected: yes.
Comment: The variant is not observed in the gnomAD v4.1.0 dataset. Predicted Consequence/Location: Stop-gained (nonsense): predicted to result in a loss or disruption of normal protein function through nonsense-mediated decay (NMD) or protein truncation. Multiple pathogenic variants are reported downstream of the variant. Therefore, this variant is classified as Pathogenic according to the recommendation of ACMG/AMP guideline.

NM_024513.4(FYCO1):c.3412G>T (p.Glu1138Ter)

Gene: FYCO1 (FYVE and coiled-coil domain autophagy adaptor 1; minus strand). Cytogenetic location: 3p21.31.
Variant type: single nucleotide variant.
Coding change: c.3412G>T on transcript NM_024513.4 (MANE Select); coding-DNA position 3412, G replaced by T.
Protein change: p.Glu1138Ter; replaces glutamic acid 1138 with a stop codon.
Molecular consequence: nonsense. On other transcripts: non-coding transcript variant (1).
Genome position (GRCh38, 1-based): chr3:45,962,250, C>A on the plus strand (G>T on the coding strand, the complement: FYCO1 is on the minus strand). VCF-style: chr3-45962250-C-A. GRCh37 (hg19) VCF-style: chr3-46003742-C-A.
Other names: c.3412G>T, p.Glu1138Ter (NM_001386421.1, NM_001386422.1, NM_001386423.1 and 4 more transcripts); c.3292G>T, p.Glu1098Ter (NM_001386426.1); c.3268G>T, p.Glu1090Ter (NM_001386427.1); c.2812G>T, p.Glu938Ter (NM_001386430.1); short protein forms E1090*, E1098*, E1138*, E938*.
Identifiers: ClinVar variation 4293908 (VCV004293908.1).